The following is an entry in ClinVar:

ClinVar aggregate classification (germline): Uncertain significance (1 of 4 stars; one submission).

Conditions:
Asphyxiating thoracic dystrophy 5 (SRTD5). Also called: SHORT-RIB THORACIC DYSPLASIA 5 WITH OR WITHOUT POLYDACTYLY; SHORT-RIB THORACIC DYSPLASIA 5 WITHOUT POLYDACTYLY. Identifiers: Orphanet 474, MedGen C3280598, MONDO:0013717, OMIM 614376.
Senior-Loken syndrome 8 (SLSN8). Identifiers: Orphanet 3156, MedGen C4225376, MONDO:0014579, OMIM 616307.

Submission:

Labcorp Genetics (formerly Invitae), Labcorp
Classification: Uncertain significance for Senior-Loken syndrome 8; Asphyxiating thoracic dystrophy 5. Last evaluated: 2022-02-17. Review status: criteria provided, single submitter. Criteria: Invitae Variant Classification Sherloc (09022015). Collection method: clinical testing. Allele origin: germline.
Comment: This sequence change affects codon 232 of the WDR19 mRNA. It is a 'silent' change, meaning that it does not change the encoded amino acid sequence of the WDR19 protein. This variant is not present in population databases (gnomAD no frequency). This variant has not been reported in the literature in individuals affected with WDR19-related conditions. Algorithms developed to predict the effect of sequence changes on RNA splicing suggest that this variant may create or strengthen a splice site. In summary, the available evidence is currently insufficient to determine the role of this variant in disease. Therefore, it has been classified as a Variant of Uncertain Significance.

NM_025132.4(WDR19):c.696C>T (p.Gly232=)

Gene: WDR19 (WD repeat domain 19; plus strand). Cytogenetic location: 4p14.
Variant type: single nucleotide variant.
Coding change: c.696C>T on transcript NM_025132.4 (MANE Select); coding-DNA position 696, C replaced by T.
Protein change: p.Gly232=; no amino-acid change (glycine 232 retained).
Molecular consequence: synonymous variant.
Genome position (GRCh38, 1-based): chr4:39,205,246, C>T. VCF-style: chr4-39205246-C-T. GRCh37 (hg19) VCF-style: chr4-39206866-C-T.
Other names: c.216C>T, p.Gly72= (NM_001317924.2).
Identifiers: ClinVar variation 2097792 (VCV002097792.4), dbSNP rs2475082456, ClinGen allele CA438939197.
Genomic context (GRCh38, chr4:39,205,246, plus strand): 5'-TTTTTTAAATCTGAATGAACCAGATAACCCAGCTGATCTTGAATTTCAGCAGGACTTTGG[C>T]AACATTGTCTGCTATAATTGGTATGTCTGCTATAACTGGTATGTACAAAAAGCTCATTAC-3'
Protein context (NP_079408.3, residues 222-242): PADLEFQQDF[Gly232=]NIVCYNWYGD